The following is an entry in ClinVar:

ClinVar aggregate classification (germline): Uncertain significance (1 of 4 stars; one submission).

Submission:

Labcorp Genetics (formerly Invitae), Labcorp
Classification: Uncertain significance. Last evaluated: 2022-04-25. Review status: criteria provided, single submitter. Criteria: Invitae Variant Classification Sherloc (09022015). Collection method: clinical testing. Allele origin: germline.
Comment: Algorithms developed to predict the effect of missense changes on protein structure and function output the following: SIFT: "Tolerated"; PolyPhen-2: "Benign"; Align-GVGD: "Class C0". The glutamic acid amino acid residue is found in multiple mammalian species, which suggests that this missense change does not adversely affect protein function. In summary, the available evidence is currently insufficient to determine the role of this variant in disease. Therefore, it has been classified as a Variant of Uncertain Significance. This variant has not been reported in the literature in individuals affected with CEP152-related conditions. This variant is not present in population databases (gnomAD no frequency). This sequence change replaces aspartic acid, which is acidic and polar, with glutamic acid, which is acidic and polar, at codon 532 of the CEP152 protein (p.Asp532Glu).

NM_001194998.2(CEP152):c.1596C>A (p.Asp532Glu)

Gene: CEP152 (centrosomal protein 152; minus strand). Cytogenetic location: 15q21.1.
Variant type: single nucleotide variant.
Coding change: c.1596C>A on transcript NM_001194998.2 (MANE Select); coding-DNA position 1596, C replaced by A.
Protein change: p.Asp532Glu; replaces aspartic acid 532 with glutamic acid.
Molecular consequence: missense variant.
Genome position (GRCh38, 1-based): chr15:48,772,673, G>T on the plus strand (C>A on the coding strand, the complement: CEP152 is on the minus strand). VCF-style: chr15-48772673-G-T. GRCh37 (hg19) VCF-style: chr15-49064870-G-T.
Other names: c.1596C>A, p.Asp532Glu (NM_014985.4); short protein forms D532E.
Identifiers: ClinVar variation 2096644 (VCV002096644.4), dbSNP rs1208912569, ClinGen allele CA392351935.